The following is an entry in ClinVar:

NM_015027.4(PDXDC1):c.915G>A (p.Leu305=)

Gene: PDXDC1 (pyridoxal dependent decarboxylase domain containing 1). Cytogenetic location: 16p13.11.
Variant type: single nucleotide variant.
Coding change: c.915G>A on transcript NM_015027.4 (MANE Select); coding-DNA position 915, G replaced by A.
Protein change: p.Leu305=; no amino-acid change (leucine 305 retained).
Molecular consequence: synonymous variant.
Genome position (GRCh38, 1-based): chr16:15,017,374, G>A. VCF-style: chr16-15017374-G-A. GRCh37 (hg19) VCF-style: chr16-15111231-G-A.
Other names: c.834G>A, p.Leu278= (NM_001285444.2, NM_001324021.2); c.831G>A, p.Leu277= (NM_001285445.2); c.870G>A, p.Leu290= (NM_001285447.1); c.642G>A, p.Leu214= (NM_001285448.1); c.915G>A, p.Leu305= (NM_001285449.2); c.846G>A, p.Leu282= (NM_001285450.2); c.912G>A, p.Leu304= (NM_001324019.2, NM_001324020.2).
Identifiers: ClinVar variation 2646245 (VCV002646245.24), dbSNP rs142502352, ClinGen allele CA7915058.

ClinVar aggregate classification (germline): Likely benign (1 of 4 stars; one submission).

Allele frequency attached by ClinVar (database versions not stated): 1000 Genomes Project 30x 0.00047; 1000 Genomes Project 0.00060; ExAC 0.00091; ESP Exome Variant Server 0.00123.

Submission:

CeGaT Center for Human Genetics Tuebingen
Classification: Likely benign. Last evaluated: 2023-08-01. Review status: criteria provided, single submitter. Criteria: CeGaT Center For Human Genetics Tuebingen Variant Classification Criteria Version 2. Collection method: clinical testing. Allele origin: germline. Affected: yes. Observed: 1 variant allele.
Comment: PDXDC1: BP4